The following is an entry in ClinVar:

ClinVar aggregate classification (germline): Likely pathogenic (1 of 4 stars; one submission).

Submission:

CeGaT Center for Human Genetics Tuebingen
Classification: Likely pathogenic. Last evaluated: 2025-02-01. Review status: criteria provided, single submitter. Criteria: CeGaT Center For Human Genetics Tuebingen Variant Classification Criteria Version 2. Collection method: clinical testing. Allele origin: germline. Affected: yes. Observed: 2 variant alleles.
Comment: TINF2: PVS1, PM2:Supporting

NM_001099274.3(TINF2):c.1044del (p.Ala349fs)

Gene: TINF2 (TERF1 interacting nuclear factor 2; minus strand). Cytogenetic location: 14q12.
Variant type: Deletion.
Coding change: c.1044del on transcript NM_001099274.3 (MANE Select); coding-DNA position 1044, one base deleted (T; older notation c.1044delT).
Protein change: p.Ala349fs; shifts the reading frame from alanine 349.
Molecular consequence: frameshift variant.
Genome position (GRCh38, 1-based): chr14:24,240,436, A deleted on the plus strand (T on the coding strand, the reverse complement: TINF2 is on the minus strand). VCF-style (leftmost placement, unchanged base first): chr14-24240435-CA-C. GRCh37 (hg19) VCF-style: chr14-24709641-CA-C.
Other names: c.939del, p.Ala314fs (NM_001363668.2); c.1044del, p.Ala349fs (NM_012461.3); short protein forms A314fs, A349fs.
Identifiers: ClinVar variation 3771848 (VCV003771848.13).